The following is an entry in ClinVar:

ClinVar aggregate classification (germline): Conflicting classifications of pathogenicity. Review status: criteria provided, conflicting classifications (1 of 4 stars). 2 submissions from 2 submitters: Uncertain significance (1); Likely benign (1). Last evaluated 2026-04-17.

Conditions:
Adams-Oliver syndrome 5 (AOS5). Identifiers: Orphanet 974, MedGen C4014970, MONDO:0014459, OMIM 616028.

Allele frequency attached by ClinVar (database versions not stated): TOPMed 0.00001.
gnomAD v4.1: 10 of 1,612,224 alleles (0.00062%); highest among the groups gnomAD compares: South Asian, 0.0011%; no homozygotes.

Submissions (2):

GeneDx
Classification: Uncertain significance. Last evaluated: 2026-04-17. Review status: criteria provided, single submitter. Criteria: GeneDx Variant Classification Process June 2021. Collection method: clinical testing. Allele origin: germline.
Comment: Not observed at significant frequency in large population cohorts (gnomAD); In silico analysis supports that this missense variant has a deleterious effect on protein structure/function; Has not been previously published as pathogenic or benign to our knowledge; This variant is associated with the following publications: (PMID: 30041611)

Labcorp Genetics (formerly Invitae), Labcorp
Classification: Likely benign for Adams-Oliver syndrome 5. Last evaluated: 2023-12-07. Review status: criteria provided, single submitter. Criteria: Invitae Variant Classification Sherloc (09022015). Collection method: clinical testing. Allele origin: germline.

NM_017617.5(NOTCH1):c.5272C>T (p.Arg1758Cys)

Gene: NOTCH1 (notch receptor 1; minus strand). Cytogenetic location: 9q34.3.
Variant type: single nucleotide variant.
Coding change: c.5272C>T on transcript NM_017617.5 (MANE Select); coding-DNA position 5272, C replaced by T.
Protein change: p.Arg1758Cys; replaces arginine 1758 with cysteine.
Molecular consequence: missense variant.
Genome position (GRCh38, 1-based): chr9:136,502,384, G>A on the plus strand (C>T on the coding strand, the complement: NOTCH1 is on the minus strand). VCF-style: chr9-136502384-G-A. GRCh37 (hg19) VCF-style: chr9-139396836-G-A.
Other names: c.5272C>T (NM_017617.3); short protein forms R1758C.
Identifiers: ClinVar variation 2180924 (VCV002180924.5), dbSNP rs777859108, ClinGen allele CA375640777.